The following is an entry in ClinVar:

ClinVar aggregate classification (germline): Uncertain significance. Review status: criteria provided, multiple submitters, no conflicts (2 of 4 stars). 2 submissions from 2 submitters: Uncertain significance (2). Last evaluated 2025-11-03.

Allele frequency attached by ClinVar (database versions not stated): ExAC 0.00001; TOPMed 0.00001; gnomAD 0.00003.
gnomAD v4.1: 18 of 1,614,038 alleles (0.0011%); highest among the groups gnomAD compares: East Asian, 0.0045%; no homozygotes.

Submissions (2):

Labcorp Genetics (formerly Invitae), Labcorp
Classification: Uncertain significance. Last evaluated: 2025-11-03. Review status: criteria provided, single submitter. Criteria: Invitae Variant Classification Sherloc (09022015). Collection method: clinical testing. Allele origin: germline.
Comment: This sequence change replaces arginine, which is basic and polar, with glutamine, which is neutral and polar, at codon 95 of the OAS1 protein (p.Arg95Gln). This variant is present in population databases (rs763983553, gnomAD 0.0009%). This variant has not been reported in the literature in individuals affected with OAS1-related conditions. ClinVar contains an entry for this variant (Variation ID: 1898836). An algorithm developed to predict the effect of missense changes on protein structure and function (PolyPhen-2) suggests that this variant is likely to be disruptive. In summary, the available evidence is currently insufficient to determine the role of this variant in disease. Therefore, it has been classified as a Variant of Uncertain Significance.

Ambry Genetics
Classification: Uncertain significance. Last evaluated: 2025-08-02. Review status: criteria provided, single submitter. Criteria: Ambry Variant Classification Scheme 2023. Collection method: clinical testing. Allele origin: germline.

NM_016816.4(OAS1):c.284G>A (p.Arg95Gln)

Gene: OAS1 (2'-5'-oligoadenylate synthetase 1; plus strand). Cytogenetic location: 12q24.13.
Variant type: single nucleotide variant.
Coding change: c.284G>A on transcript NM_016816.4 (MANE Select); coding-DNA position 284, G replaced by A.
Protein change: p.Arg95Gln; replaces arginine 95 with glutamine.
Molecular consequence: missense variant.
Genome position (GRCh38, 1-based): chr12:112,908,639, G>A. VCF-style: chr12-112908639-G-A. GRCh37 (hg19) VCF-style: chr12-113346444-G-A.
Other names: c.284G>A, p.Arg95Gln (NM_001032409.3, NM_001320151.2, NM_001406020.1 and 7 more transcripts); c.284G>A (NM_016816.2); short protein forms R95Q.
Identifiers: ClinVar variation 1898836 (VCV001898836.6), dbSNP rs763983553, ClinGen allele CA6799732.